The following is an entry in ClinVar:

ClinVar aggregate classification (germline): Uncertain significance (1 of 4 stars; one submission).

Conditions:
Haddad syndrome (OHD). Also called: Ondine-Hirschsprung disease. Identifiers: Orphanet 99803, MedGen C1859049, MONDO:0020493.

Submission:

Labcorp Genetics (formerly Invitae), Labcorp
Classification: Uncertain significance for Haddad syndrome. Last evaluated: 2024-03-14. Review status: criteria provided, single submitter. Criteria: Invitae Variant Classification Sherloc (09022015). Collection method: clinical testing. Allele origin: germline.
Comment: This sequence change replaces serine, which is neutral and polar, with alanine, which is neutral and non-polar, at codon 55 of the PHOX2B protein (p.Ser55Ala). This variant is not present in population databases (gnomAD no frequency). This variant has not been reported in the literature in individuals affected with PHOX2B-related conditions. Advanced modeling of protein sequence and biophysical properties (such as structural, functional, and spatial information, amino acid conservation, physicochemical variation, residue mobility, and thermodynamic stability) performed at Invitae indicates that this missense variant is not expected to disrupt PHOX2B protein function with a negative predictive value of 80%. In summary, the available evidence is currently insufficient to determine the role of this variant in disease. Therefore, it has been classified as a Variant of Uncertain Significance.

NM_003924.4(PHOX2B):c.163T>G (p.Ser55Ala)

Genes: PHOX2B (paired like homeobox 2B; minus strand), PHOX2B-AS1 (PHOX2B antisense RNA 1; plus strand). Cytogenetic location: 4p13.
Variant type: single nucleotide variant.
Coding change: c.163T>G on transcript NM_003924.4 (MANE Select); coding-DNA position 163, T replaced by G.
Protein change: p.Ser55Ala; replaces serine 55 with alanine.
Molecular consequence: missense variant. On other transcripts: non-coding transcript variant (1).
Genome position (GRCh38, 1-based): chr4:41,748,448, A>C on the plus strand (T>G on the coding strand, the complement: PHOX2B is on the minus strand). VCF-style: chr4-41748448-A-C. GRCh37 (hg19) VCF-style: chr4-41750465-A-C.
Other names: short protein forms S55A.
Identifiers: ClinVar variation 3645436 (VCV003645436.2).
Genomic context (GRCh38, chr4:41,748,448, plus strand): 5'-TCTGGTGGTCCCTGAGGGTGCCCAGGCTGCAGGATCCCGGCGTGAGGGAAGGGCAGCCGG[A>C]CGTGGCCCCAAAAGTGGTCCTTATCGGGTTATACTGGAAGCCACTGGCCTGGCTGCAGGA-3'
Protein context (NP_003915.2, residues 45-65): NPIRTTFGAT[Ser55Ala]GCPSLTPGSC